The following is an entry in ClinVar:

NM_000827.4(GRIA1):c.645+2T>C

Gene: GRIA1 (glutamate ionotropic receptor AMPA type subunit 1; plus strand). Cytogenetic location: 5q33.2.
Variant type: single nucleotide variant.
Coding change: c.645+2T>C on transcript NM_000827.4 (MANE Select); the canonical splice donor site of the intron after coding-DNA position 645, T replaced by C.
Molecular consequence: splice donor variant.
Genome position (GRCh38, 1-based): chr5:153,650,516, T>C. VCF-style: chr5-153650516-T-C. GRCh37 (hg19) VCF-style: chr5-153030076-T-C.
Other names: c.672+2T>C (NM_001364166.2); c.438+2T>C (NM_001364167.2, NM_001258023.1); c.360+2T>C (NM_001258020.2); c.645+2T>C (NM_001114183.2, NM_001364165.2); c.405+2T>C (NM_001258019.2); c.675+2T>C (NM_001258021.2, NM_001258022.2).
Identifiers: ClinVar variation 4085371 (VCV004085371.8).

ClinVar aggregate classification (germline): Uncertain significance (1 of 4 stars; one submission).

Submission:

CeGaT Center for Human Genetics Tuebingen
Classification: Uncertain significance. Last evaluated: 2025-07-01. Review status: criteria provided, single submitter. Criteria: CeGaT Center For Human Genetics Tuebingen Variant Classification Criteria Version 2. Collection method: clinical testing. Allele origin: germline. Affected: yes. Observed: 1 variant allele.
Comment: GRIA1: PM2, PVS1:Moderate